The following is an entry in ClinVar:

ClinVar aggregate classification (germline): Uncertain significance (1 of 4 stars; one submission).

Conditions:
Peroxisome biogenesis disorder, complementation group 7 (CG7). Also called: Peroxisome biogenesis disorder, complementation group B. Identifiers: MedGen C1864399.

Allele frequency attached by ClinVar (database versions not stated): TOPMed below 0.00001; ExAC 0.00001; gnomAD 0.00002; gnomAD exomes 0.00002; 1000 Genomes Project 30x 0.00016; 1000 Genomes Project 0.00020.
gnomAD v4.1: 24 of 1,612,726 alleles (0.0015%); highest among the groups gnomAD compares: Admixed American, 0.0033%; no homozygotes.

Submission:

Labcorp Genetics (formerly Invitae), Labcorp
Classification: Uncertain significance for Peroxisome biogenesis disorder, complementation group 7. Last evaluated: 2022-09-01. Review status: criteria provided, single submitter. Criteria: Invitae Variant Classification Sherloc (09022015). Collection method: clinical testing. Allele origin: germline.
Comment: This sequence change replaces alanine, which is neutral and non-polar, with threonine, which is neutral and polar, at codon 172 of the PEX10 protein (p.Ala172Thr). This variant is present in population databases (rs533977936, gnomAD 0.003%). This variant has not been reported in the literature in individuals affected with PEX10-related conditions. Algorithms developed to predict the effect of missense changes on protein structure and function output the following: SIFT: "Tolerated"; PolyPhen-2: "Benign"; Align-GVGD: "Class C0". The threonine amino acid residue is found in multiple mammalian species, which suggests that this missense change does not adversely affect protein function. In summary, the available evidence is currently insufficient to determine the role of this variant in disease. Therefore, it has been classified as a Variant of Uncertain Significance.

NM_002617.4(PEX10):c.514G>A (p.Ala172Thr)

Gene: PEX10 (peroxisomal biogenesis factor 10; minus strand). Cytogenetic location: 1p36.32.
Variant type: single nucleotide variant.
Coding change: c.514G>A on transcript NM_002617.4 (MANE Select); coding-DNA position 514, G replaced by A.
Protein change: p.Ala172Thr; replaces alanine 172 with threonine.
Molecular consequence: missense variant. On other transcripts: non-coding transcript variant (1).
Genome position (GRCh38, 1-based): chr1:2,408,538, C>T on the plus strand (G>A on the coding strand, the complement: PEX10 is on the minus strand). VCF-style: chr1-2408538-C-T. GRCh37 (hg19) VCF-style: chr1-2339977-C-T.
Other names: c.514G>A, p.Ala172Thr (NM_001374425.1, NM_153818.2); c.82G>A, p.Ala28Thr (NM_001374426.1, NM_001374427.1); short protein forms A172T, A28T.
Identifiers: ClinVar variation 2202097 (VCV002202097.1), dbSNP rs533977936, ClinGen allele CA538145.